The following is an entry in ClinVar:

NM_016156.6(MTMR2):c.1870_1878dup (p.Ser624_Ser626dup)

Gene: MTMR2 (myotubularin related protein 2; minus strand). Cytogenetic location: 11q21.
Variant type: Duplication.
Coding change: c.1870_1878dup on transcript NM_016156.6 (MANE Select); coding-DNA positions 1870 to 1878, 9 bases duplicated (TCATCCTCA; older notation c.1870_1878dupTCATCCTCA).
Protein change: p.Ser624_Ser626dup.
Molecular consequence: inframe insertion.
Genome position (GRCh38, 1-based): chr11:95,835,344-95,835,352, TGAGGATGA duplicated on the plus strand (TCATCCTCA on the coding strand, the reverse complement: MTMR2 is on the minus strand). VCF-style (leftmost placement, unchanged base first): chr11-95835343-C-CTGAGGATGA. GRCh37 (hg19) VCF-style: chr11-95568507-C-CTGAGGATGA.
Other names: c.1654_1662dup, p.Ser552_Ser554dup (NM_001243571.2, NM_201278.3, NM_201281.3).
Identifiers: ClinVar variation 1479439 (VCV001479439.6), dbSNP rs748069614, ClinGen allele CA6239832.

ClinVar aggregate classification (germline): Uncertain significance (1 of 4 stars; one submission).

Conditions:
Charcot-Marie-Tooth disease type 4. Also called: Charcot-Marie-Tooth, Type 4; Charcot-Marie-Tooth disease, type IV. Identifiers: Orphanet 64749, MedGen C4082197, MONDO:0018995.

Allele frequency attached by ClinVar (database versions not stated): gnomAD 0.00001; gnomAD exomes 0.00002; ExAC 0.00003.

Submission:

Labcorp Genetics (formerly Invitae), Labcorp
Classification: Uncertain significance for Charcot-Marie-Tooth disease type 4. Last evaluated: 2021-09-29. Review status: criteria provided, single submitter. Criteria: Invitae Variant Classification Sherloc (09022015). Collection method: clinical testing. Allele origin: germline.
Comment: In summary, the available evidence is currently insufficient to determine the role of this variant in disease. Therefore, it has been classified as a Variant of Uncertain Significance. Experimental studies and prediction algorithms are not available or were not evaluated, and the functional significance of this variant is currently unknown. This variant has not been reported in the literature in individuals affected with MTMR2-related conditions. This variant is present in population databases (rs748069614, ExAC 0.02%). This variant, c.1870_1878dup, results in the insertion of 3 amino acid(s) to the MTMR2 protein (p.Ser624_Ser626dup), but otherwise preserves the integrity of the reading frame.